The following is an entry in ClinVar:

NM_001035.3(RYR2):c.7274C>G (p.Ser2425Cys)

Gene: RYR2 (ryanodine receptor 2; plus strand). Cytogenetic location: 1q43.
Variant type: single nucleotide variant.
Coding change: c.7274C>G on transcript NM_001035.3 (MANE Select); coding-DNA position 7274, C replaced by G.
Protein change: p.Ser2425Cys; replaces serine 2425 with cysteine.
Molecular consequence: missense variant.
Genome position (GRCh38, 1-based): chr1:237,643,379, C>G. VCF-style: chr1-237643379-C-G. GRCh37 (hg19) VCF-style: chr1-237806679-C-G.
Other names: short protein forms S2425C.
Identifiers: ClinVar variation 1758028 (VCV001758028.2), dbSNP rs2546990843, ClinGen allele CA075658.

ClinVar aggregate classification (germline): Uncertain significance (1 of 4 stars; one submission).

Conditions:
Cardiovascular phenotype. Identifiers: MedGen CN230736.

Submission:

Ambry Genetics
Classification: Uncertain significance for Cardiovascular phenotype. Last evaluated: 2022-05-17. Review status: criteria provided, single submitter. Criteria: Ambry Variant Classification Scheme 2023. Collection method: clinical testing. Allele origin: germline.
Comment: The p.S2425C variant (also known as c.7274C>G), located in coding exon 48 of the RYR2 gene, results from a C to G substitution at nucleotide position 7274. The serine at codon 2425 is replaced by cysteine, an amino acid with dissimilar properties. This amino acid position is highly conserved in available vertebrate species. In addition, this alteration is predicted to be deleterious by in silico analysis. Since supporting evidence is limited at this time, the clinical significance of this alteration remains unclear.